The following is an entry in ClinVar:

ClinVar aggregate classification (germline): Pathogenic (1 of 4 stars; one submission).

Conditions:
Retinitis pigmentosa 25 (RP25). Identifiers: Orphanet 791, MedGen C1864446, MONDO:0011272, OMIM 602772.

Submission:

Juno Genomics, Hangzhou Juno Genomics, Inc
Classification: Pathogenic for Retinitis pigmentosa 25. Review status: criteria provided, single submitter. Criteria: ACMG Guidelines, 2015. Collection method: clinical testing. Allele origin: germline. Affected: yes.
Comment: Absent from controls (or at extremely low frequency if recessive) in Genome Aggregation Database, Exome Sequencing Project, 1000 Genomes Project, or Exome Aggregation Consortium.;Null variant in a gene where loss of function (LOF) is a known mechanism of disease.;For recessive disorders, detected in trans with a pathogenic variant.

NM_001142800.2(EYS):c.5929C>T (p.Gln1977Ter)

Gene: EYS (EGF-like photoreceptor maintenance factor; minus strand). Cytogenetic location: 6q12.
Variant type: single nucleotide variant.
Coding change: c.5929C>T on transcript NM_001142800.2 (MANE Select); coding-DNA position 5929, C replaced by T.
Protein change: p.Gln1977Ter; replaces glutamine 1977 with a stop codon.
Molecular consequence: nonsense.
Genome position (GRCh38, 1-based): chr6:64,388,839, G>A on the plus strand (C>T on the coding strand, the complement: EYS is on the minus strand). VCF-style: chr6-64388839-G-A. GRCh37 (hg19) VCF-style: chr6-65098732-G-A.
Other names: c.5929C>T, p.Gln1977Ter (NM_001292009.2); short protein forms Q1977*.
Identifiers: ClinVar variation 3382389 (VCV003382389.2).
Genomic context (GRCh38, chr6:64,388,839, plus strand): 5'-CGCATATTTGTGTATTCCTCCCTAAAATAGTCAGCTCAGCGTTACATGGATCCAATTCTT[G>A]CCTGTAACCATTTAAGAAAGAAATGGTTTTAGTATAAGTCATATAAACATTTATCTGACA-3'